The following is an entry in ClinVar:

NM_000749.5(CHRNB3):c.528T>A (p.Tyr176Ter)

Gene: CHRNB3 (cholinergic receptor nicotinic beta 3 subunit; plus strand). Cytogenetic location: 8p11.21.
Variant type: single nucleotide variant.
Coding change: c.528T>A on transcript NM_000749.5 (MANE Select); coding-DNA position 528, T replaced by A.
Protein change: p.Tyr176Ter; replaces tyrosine 176 with a stop codon.
Molecular consequence: nonsense.
Genome position (GRCh38, 1-based): chr8:42,731,835, T>A. VCF-style: chr8-42731835-T-A. GRCh37 (hg19) VCF-style: chr8-42586978-T-A.
Other names: c.306T>A, p.Tyr102Ter (NM_001347717.2); short protein forms Y102*, Y176*.
Identifiers: ClinVar variation 4881420 (VCV004881420.2).
Genomic context (GRCh38, chr8:42,731,835, plus strand): 5'-CGTCACGTTTTTCCCGTTCGACCGACAGAACTGCTCCATGAAGTTTGGATCCTGGACTTA[T>A]GATGGCACCATGGTTGACCTCATTTTGATCAATGAAAATGTCGACAGAAAAGACTTCTTC-3'

ClinVar aggregate classification (germline): Uncertain significance (1 of 4 stars; one submission).

gnomAD v4.1: 1 of 1,614,106 alleles (0.000062%); no homozygotes.

Submission:

Dasa
Classification: Uncertain significance. Last evaluated: 2025-02-16. Review status: criteria provided, single submitter. Criteria: DASA Assertion Criteria. Collection method: clinical testing. Allele origin: germline.
Comment: NM_000749.5(CHRNB3):c.528T>A (p.Tyr176*) is a nonsense variant in CHRNB3 predicted to introduce a premature termination codon. This variant has been observed in affected individuals with CHRNB3-related disorders. Also, this variant is rare in population databases. The currently available literature and clinical evidence are not sufficient to establish a definitive association between this variant and the reported condition. Therefore, this variant is classified as a variant of uncertain significance.